The following is an entry in ClinVar:

NM_014023.4(WDR37):c.800G>C (p.Cys267Ser)

Gene: WDR37 (WD repeat domain 37; plus strand). Cytogenetic location: 10p15.3.
Variant type: single nucleotide variant.
Coding change: c.800G>C on transcript NM_014023.4 (MANE Select); coding-DNA position 800, G replaced by C.
Protein change: p.Cys267Ser; replaces cysteine 267 with serine.
Molecular consequence: missense variant.
Genome position (GRCh38, 1-based): chr10:1,103,675, G>C. VCF-style: chr10-1103675-G-C. GRCh37 (hg19) VCF-style: chr10-1149615-G-C.
Other names: short protein forms C267S.
Identifiers: ClinVar variation 1707761 (VCV001707761.3), dbSNP rs941955583, ClinGen allele CA201223870.

ClinVar aggregate classification (germline): Uncertain significance (1 of 4 stars; one submission).

Allele frequency attached by ClinVar (database versions not stated): TOPMed below 0.00001.

Submission:

GeneDx
Classification: Uncertain significance. Last evaluated: 2022-11-29. Review status: criteria provided, single submitter. Criteria: GeneDx Variant Classification Process June 2021. Collection method: clinical testing. Allele origin: germline.
Comment: Not observed at significant frequency in large population cohorts (gnomAD); In silico analysis supports that this missense variant does not alter protein structure/function; Has not been previously published as pathogenic or benign to our knowledge